The following is an entry in ClinVar:

ClinVar aggregate classification (germline): Pathogenic (1 of 4 stars; one submission).

Conditions:
LAMA2-related muscular dystrophy (LAMA2-RD). Also called: Laminin alpha 2-related dystrophy. Identifiers: MedGen C5679788, MONDO:0100228.

Submission:

Labcorp Genetics (formerly Invitae), Labcorp
Classification: Pathogenic for LAMA2-related muscular dystrophy. Last evaluated: 2021-03-06. Review status: criteria provided, single submitter. Criteria: Invitae Variant Classification Sherloc (09022015). Collection method: clinical testing. Allele origin: germline.
Comment: For these reasons, this variant has been classified as Pathogenic. This variant has not been reported in the literature in individuals with LAMA2-related conditions. This variant is not present in population databases (ExAC no frequency). This sequence change creates a premature translational stop signal (p.Glu615*) in the LAMA2 gene. It is expected to result in an absent or disrupted protein product. Loss-of-function variants in LAMA2 are known to be pathogenic (PMID: 18700894).

Literature cited by the submitters: PubMed 18700894.

NM_000426.4(LAMA2):c.1843G>T (p.Glu615Ter)

Gene: LAMA2 (laminin subunit alpha 2; plus strand). Cytogenetic location: 6q22.33.
Variant type: single nucleotide variant.
Coding change: c.1843G>T on transcript NM_000426.4 (MANE Select); coding-DNA position 1843, G replaced by T.
Protein change: p.Glu615Ter; replaces glutamic acid 615 with a stop codon.
Molecular consequence: nonsense.
Genome position (GRCh38, 1-based): chr6:129,250,172, G>T. VCF-style: chr6-129250172-G-T. GRCh37 (hg19) VCF-style: chr6-129571317-G-T.
Other names: c.1843G>T, p.Glu615Ter (NM_001079823.2); short protein forms E615*.
Identifiers: ClinVar variation 1459845 (VCV001459845.6), dbSNP rs2114276465, ClinGen allele CA365609593.